The following is an entry in ClinVar:

NM_000506.3(F2):c.598G>A (p.Glu200Lys)

Gene: F2 (coagulation factor II, thrombin; plus strand). Cytogenetic location: 11p11.2.
Variant type: single nucleotide variant.
Coding change: c.598G>A on transcript NM_000506.3; coding-DNA position 598, G replaced by A.
Protein change: p.Glu200Lys; replaces glutamic acid 200 with lysine.
Molecular consequence: missense variant (on NM_000506.5).
Genome position (GRCh38, 1-based): chr11:46,725,897, G>A. VCF-style: chr11-46725897-G-A. GRCh37 (hg19) VCF-style: chr11-46747447-G-A.
Other names: F2, GLU157LYS; E157K; c.598G>A, p.Glu200Lys (NM_000506.5); c.598G>A (NM_000506.4); short protein forms E200K.
Identifiers: ClinVar variation 13302 (VCV000013302.59), dbSNP rs62623459, ClinGen allele CA090909.
Genomic context (GRCh38, chr11:46,725,897, plus strand): 5'-CTCCTTGCCCCTCACCCACCAGGCCAGGATCAAGTCACTGTAGCGATGACTCCACGCTCC[G>A]AAGGCTCCAGTGTGAATCTGTCACCTCCATTGGAGCAGTGTGTCCCTGATCGGGGGCAGC-3'
Protein context (NP_000497.1, residues 190-210): QVTVAMTPRS[Glu200Lys]GSSVNLSPPL

ClinVar aggregate classification (germline): Conflicting classifications of pathogenicity; risk factor. Review status: criteria provided, conflicting classifications (1 of 4 stars). 12 submissions from 11 submitters: Uncertain significance (6); Benign (1); Likely benign (2). 2 of the submissions do not count toward it. Last evaluated 2026-03-27.

Conditions:
Thrombophilia due to thrombin defect (THPH1). Also called: Thrombosis susceptibility; THROMBOPHILIA DUE TO FACTOR 2 DEFECT; Prothrombin-Related Thrombophilia (Factor II); Prothrombin Thrombophilia. Identifiers: MedGen C3160733, MONDO:0008559, OMIM 188050. Disease mechanism: gain of function, loss of function.
F2-related disorder. Also called: F2-related disorders; F2-related condition.
Ischemic stroke. Also called: CEREBROVASCULAR ACCIDENT; Ischemic stroke, susceptibility to. Identifiers: MedGen C0948008, MONDO:1060198, OMIM 601367, HP:0002140.
Pregnancy loss, recurrent, susceptibility to, 2 (RPRGL2). Identifiers: MedGen C3280672, MONDO:0013728, OMIM 614390.
Congenital prothrombin deficiency. Also called: Hereditary factor II deficiency disease; HYPOPROTHROMBINEMIA; Inherited hypoprothrombinemia; Congenital factor II deficiency; Inherited prothrombin deficiency; Factor II deficiency. Identifiers: Orphanet 325, MedGen C0272317, MONDO:0013361, OMIM 613679.
PROTHROMBIN TYPE 3.
Cerebral palsy. Identifiers: MedGen C0007789, MONDO:0006497, HP:0100021.

Allele frequency attached by ClinVar (database versions not stated): 1000 Genomes Project 0.00040; 1000 Genomes Project 30x 0.00047; gnomAD exomes 0.00110 and 0.00192; TOPMed 0.00119; ExAC 0.00127; gnomAD 0.00133 and 0.00138.
gnomAD v4.1: 2,973 of 1,613,510 alleles (0.18%); highest among the groups gnomAD compares: Non-Finnish European, 0.24%; 5 homozygotes.

Submissions (12):

PreventionGenetics, part of Exact Sciences
Classification: Uncertain significance for F2-related condition. Last evaluated: 2026-03-27. Review status: criteria provided, single submitter. Criteria: ACMG Guidelines, 2015. Collection method: clinical testing. Allele origin: germline.
Comment: The F2 c.598G>A variant is predicted to result in the amino acid substitution p.Glu200Lys. This variant, also reported as p.Glu157Lys using legacy nomenclature, has been found in the heterozygous state in individuals with dysprothrombinemia (Board and Shaw. 1983. PubMed ID: 6405779; Lancellotti and De Cristofaro. 2009. PubMed ID: 19598065). A functional study indicated that this variant contributes to altered F2 activity (Board and Shaw. 1983. PubMed ID: 6405779). This variant is reported in 0.23% of alleles in individuals of European (Non-Finnish) descent in gnomAD and has conflicting interpretations in ClinVar, ranging from benign to uncertain significance to risk factor (Variant ID: 13302). Although we suspect that this variant may be pathogenic, at this time, the clinical significance of this variant is uncertain due to the absence of conclusive functional and genetic evidence.

Labcorp Genetics (formerly Invitae), Labcorp
Classification: Likely benign for Congenital prothrombin deficiency. Last evaluated: 2026-01-28. Review status: criteria provided, single submitter. Criteria: Invitae Variant Classification Sherloc (09022015). Collection method: clinical testing. Allele origin: germline.

Women's Health and Genetics/Laboratory Corporation of America, LabCorp
Classification: Likely benign. Last evaluated: 2025-03-26. Review status: criteria provided, single submitter. Criteria: LabCorp Variant Classification Summary - May 2015. Collection method: clinical testing. Allele origin: germline.

Blueprint Genetics
Classification: Uncertain significance. Last evaluated: 2024-09-25. Review status: criteria provided, single submitter. Criteria: ACMG Guidelines, 2015. Collection method: clinical testing. Allele origin: germline.

Department of Pathology and Laboratory Medicine, Sinai Health System
Classification: Uncertain significance for Thrombophilia due to thrombin defect; Ischemic stroke; Congenital prothrombin deficiency; Pregnancy loss, recurrent, susceptibility to, 2. Last evaluated: 2022-03-25. Review status: criteria provided, single submitter. Criteria: ACMG Guidelines, 2015. Collection method: research. Allele origin: germline.

Neurogenetics Research Program, University of Adelaide
Classification: risk factor for Cerebral palsy. Last evaluated: 2021-06-10. Review status: criteria provided, single submitter. Criteria: ACMG Guidelines, 2015. Collection method: research. Allele origin: unknown. Affected: yes. Observed: 1 variant allele.

Victorian Clinical Genetics Services, Murdoch Childrens Research Institute
Classification: Uncertain significance for Thrombophilia due to thrombin defect. Last evaluated: 2020-05-26. Review status: criteria provided, single submitter. Criteria: ACMG Guidelines, 2015. Collection method: clinical testing. Allele origin: germline.
Comment: Based on the classification scheme VCGS_Germline_v1.1.1, this variant is classified as 3B-VUS. Following criteria are met: 0101 - Gain-of-function is a known mechanism of disease for this gene. (N) 0108 - This gene is known to be associated with both recessive and dominant disease. Homozygous patients have been shown to have a greater risk for thrombosis than do heterozygotes (PMID: 20301327). (N) 0112 - Variants in this gene are known to have reduced penetrance (PMID: 30297698). (N) 0200 - Variant is predicted to result in a missense amino acid change from glutamic acid to lysine (exon 7). (N) 0251 - Variant is heterozygous. (N) 0310 - Variant is present in gnomAD >=0.001 and <0.01 for a condition (332 heterozygotes, 0 homozygotes). (N) 0503 - Missense variant consistently predicted to be tolerated or not conserved in mammals with a minor amino acid change. (B) 0504 - Same amino acid change has been observed in mammals. (B) 0604 - Variant is not located in an established domain, motif, hotspot or informative constraint region. (N) 0705 - No comparable variants have previous evidence for pathogenicity. (N) 0808 - Previous reports of pathogenicity are conflicting (ClinVar). This variant was originally reported in a patient with prothrombin 3 (PMID: 6405779). More recently, it has been associated with dysprothrombinaemia, however patient presented with normal FII level (PMID: 31352677). (N) 0905 - No segregation evidence has been identified for this variant. (N) 1007 - No published functional evidence has been identified for this variant. (N) 1208 - Inheritance information for this variant is not currently available. (N) Legend: (P) - Pathogenic, (N) - Neutral, (B) - Benign

CeGaT Center for Human Genetics Tuebingen
Classification: Uncertain significance. Last evaluated: 2019-03-01. Review status: criteria provided, single submitter. Criteria: CeGaT Center For Human Genetics Tuebingen Variant Classification Criteria Version 2. Collection method: clinical testing. Allele origin: germline. Affected: yes. Observed: 1 variant allele.

Illumina Laboratory Services, Illumina
Classification: Uncertain significance for Congenital prothrombin deficiency. Last evaluated: 2017-04-27. Review status: criteria provided, single submitter. Criteria: ICSL Variant Classification Criteria 13 December 2019. Collection method: clinical testing. Allele origin: germline.
Comment: This variant was observed as part of a predisposition screen in an ostensibly healthy population. A literature search was performed for the gene, cDNA change, and amino acid change (where applicable). Publications were found based on this search. However, the evidence from the literature, in combination with allele frequency data from public databases where available, was not sufficient to rule this variant in or out of causing disease. Therefore, this variant is classified as a variant of unknown significance.

Illumina Laboratory Services, Illumina
Classification: Benign for Thrombophilia due to thrombin defect. Last evaluated: 2017-04-27. Review status: criteria provided, single submitter. Criteria: ICSL Variant Classification Criteria 13 December 2019. Collection method: clinical testing. Allele origin: germline.
Comment: This variant was observed as part of a predisposition screen in an ostensibly healthy population. A literature search was performed for the gene, cDNA change, and amino acid change (where applicable). No publications were found based on this search. Allele frequency data from public databases was too high to be consistent with this variant causing disease. Therefore, this variant is classified as benign.

OMIM
Classification: Pathogenic for PROTHROMBIN TYPE 3. Last evaluated: 1983-06-01. Review status: no assertion criteria provided. Collection method: literature only. Allele origin: germline. Not counted in ClinVar's aggregate classification.

ISTH-SSC Genomics in Thrombosis and Hemostasis, KU Leuven, Center for Molecular and Vascular Biology
Classification: Uncertain significance for Congenital prothrombin deficiency. Review status: no assertion criteria provided. Collection method: clinical testing. Allele origin: germline. Affected: yes. Not counted in ClinVar's aggregate classification.
Comment: Submitted to GoldVariant by Juliana Perez Botero from Versiti Diagnostic Laboratories, USA

Literature cited by the submitters: PubMed 6405779 (cited by 3 submitters); PubMed 20301327 (cited by Victorian Clinical Genetics Services, Murdoch Childrens Research Institute); PubMed 30297698 (cited by Victorian Clinical Genetics Services, Murdoch Childrens Research Institute); PubMed 31352677 (cited by Victorian Clinical Genetics Services, Murdoch Childrens Research Institute).